The following is an entry in ClinVar:

NM_001080477.4(TENM3):c.1513G>T (p.Val505Leu)

Gene: TENM3 (teneurin transmembrane protein 3; plus strand). Cytogenetic location: 4q35.1.
Variant type: single nucleotide variant.
Coding change: c.1513G>T on transcript NM_001080477.4 (MANE Select); coding-DNA position 1513, G replaced by T.
Protein change: p.Val505Leu; replaces valine 505 with leucine.
Molecular consequence: missense variant.
Genome position (GRCh38, 1-based): chr4:182,679,852, G>T. VCF-style: chr4-182679852-G-T. GRCh37 (hg19) VCF-style: chr4-183601005-G-T.
Other names: c.697G>T, p.Val233Leu (NM_001415960.1, NM_001415961.1, NM_001415962.1 and 2 more transcripts); c.1234G>T, p.Val412Leu (NM_001415966.1, NM_001415967.1, NM_001415976.1 and 1 more transcripts); c.1513G>T, p.Val505Leu (NM_001415968.1, NM_001415969.1, NM_001415970.1 and 4 more transcripts); short protein forms V233L, V412L, V505L.
Identifiers: ClinVar variation 2504947 (VCV002504947.2), dbSNP rs533464172, ClinGen allele CA3147704.

ClinVar aggregate classification (germline): Uncertain significance. Review status: criteria provided, multiple submitters, no conflicts (2 of 4 stars). 2 submissions from 2 submitters: Uncertain significance (2). Last evaluated 2024-09-30.

Conditions:
Microphthalmia, isolated, with coloboma 9 (MCOPCB9). Identifiers: Orphanet 98938, MedGen C3554592, MONDO:0014059, OMIM 615145.

Allele frequency attached by ClinVar (database versions not stated): TOPMed 0.00002; 1000 Genomes Project 30x 0.00047; 1000 Genomes Project 0.00060.
gnomAD v4.1: 149 of 1,612,036 alleles (0.0092%); highest among the groups gnomAD compares: South Asian, 0.15%; 2 homozygotes.

Submissions (2):

Revvity Omics, Revvity
Classification: Uncertain significance for Microphthalmia, isolated, with coloboma 9. Last evaluated: 2024-09-30. Review status: criteria provided, single submitter. Criteria: ACMG Guidelines, 2015. Collection method: clinical testing. Allele origin: germline.

GeneDx
Classification: Uncertain significance. Last evaluated: 2022-12-06. Review status: criteria provided, single submitter. Criteria: GeneDx Variant Classification Process June 2021. Collection method: clinical testing. Allele origin: germline. Affected: yes.
Comment: In silico analysis supports that this missense variant has a deleterious effect on protein structure/function; Has not been previously published as pathogenic or benign to our knowledge